The following is an entry in ClinVar:

ClinVar aggregate classification (germline): Pathogenic. Review status: reviewed by expert panel (3 of 4 stars). 13 submissions from 13 submitters: Pathogenic (1). 12 of the submissions do not count toward it. Last evaluated 2016-09-08.

Conditions:
Hereditary cancer-predisposing syndrome. Also called: Tumor predisposition; Neoplastic Syndromes, Hereditary; Hereditary Cancer Syndrome; Hereditary neoplastic syndrome. Identifiers: Orphanet 140162, MedGen C0027672, MeSH D009386, MONDO:0015356.
BRCA1-related disorder. Also called: BRCA1-related condition.
Hereditary breast ovarian cancer syndrome. Also called: Hereditary breast and ovarian cancer syndrome (HBOC); Hereditary breast and ovarian cancer syndrome; Hereditary breast and ovarian cancer; Hereditary breast and/or ovarian cancer syndrome; Breast and ovarian cancer; BRCA1- and BRCA2-Associated Hereditary Breast and Ovarian Cancer. Identifiers: Orphanet 145, MedGen C0677776, MeSH D061325, MONDO:0003582. Disease mechanism: loss of function.
Breast-ovarian cancer, familial, susceptibility to, 1 (BROVCA1). Also called: OVARIAN CANCER, SUSCEPTIBILITY TO; BRCA1 Hereditary Breast and Ovarian Cancer. Identifiers: Orphanet 145, MedGen C2676676, MONDO:0011450, OMIM 604370. Disease mechanism: loss of function.

Submissions (13):

Evidence-based Network for the Interpretation of Germline Mutant Alleles (ENIGMA)
Classification: Pathogenic for Breast-ovarian cancer, familial, susceptibility to, 1. Last evaluated: 2016-09-08. Review status: reviewed by expert panel. Criteria: ENIGMA BRCA1/2 Classification Criteria (2015). Collection method: curation. Allele origin: germline.
Comment: Variant allele predicted to encode a truncated non-functional protein.

Labcorp Genetics (formerly Invitae), Labcorp
Classification: Pathogenic for Hereditary breast ovarian cancer syndrome. Last evaluated: 2026-02-01. Review status: criteria provided, single submitter. Criteria: Invitae Variant Classification Sherloc (09022015). Collection method: clinical testing. Allele origin: germline. Not counted in ClinVar's aggregate classification.
Comment: This sequence change creates a premature translational stop signal (p.Tyr261*) in the BRCA1 gene. It is expected to result in an absent or disrupted protein product. Loss-of-function variants in BRCA1 are known to be pathogenic (PMID: 20104584). This variant is not present in population databases (gnomAD no frequency). This premature translational stop signal has been observed in individual(s) with breast and/or ovarian cancer (PMID: 16683254). ClinVar contains an entry for this variant (Variation ID: 37697). For these reasons, this variant has been classified as Pathogenic.

GeneDx
Classification: Pathogenic. Last evaluated: 2024-12-23. Review status: criteria provided, single submitter. Criteria: GeneDx Variant Classification Process June 2021. Collection method: clinical testing. Allele origin: germline. Affected: yes. Not counted in ClinVar's aggregate classification.
Comment: Nonsense variant predicted to result in protein truncation or nonsense mediated decay in a gene for which loss-of-function is a known mechanism of disease; Not observed at significant frequency in large population cohorts (gnomAD); Truncating variants in this gene are considered pathogenic by a well-established clinical consortium and/or database; Also known as 902T>G; Observed in individuals with personal or family history of BRCA1-related cancer (PMID: 16683254); This variant is associated with the following publications: (PMID: 25525159, 25823446, 29446198, 27535533, 38922859, 16683254)

Ambry Genetics
Classification: Pathogenic for Hereditary cancer-predisposing syndrome. Last evaluated: 2024-07-30. Review status: criteria provided, single submitter. Criteria: Ambry Variant Classification Scheme 2023. Collection method: clinical testing. Allele origin: germline. Not counted in ClinVar's aggregate classification.
Comment: The p.Y261* pathogenic mutation (also known as c.783T>G), located in coding exon 9 of the BRCA1 gene, results from a T to G substitution at nucleotide position 783. This changes the amino acid from a tyrosine to a stop codon within coding exon 9. This mutation has been identified in a Dutch family with Hereditary Breast and Ovarian Cancer (HBOC) Syndrome (van der Hout AH at al. Hum. Mutat. 2006 Jul;27(7):654-66). This alteration was also identified in a large, worldwide study of BRCA1/2 mutation positive families (Rebbeck TR et al. Hum Mutat. 2018 05;39:593-620). This variant is considered to be rare based on population cohorts in the Genome Aggregation Database (gnomAD). In addition to the clinical data presented in the literature, this alteration is expected to result in loss of function by premature protein truncation or nonsense-mediated mRNA decay. As such, this alteration is interpreted as a disease-causing mutation.

Quest Diagnostics Nichols Institute San Juan Capistrano
Classification: Pathogenic. Last evaluated: 2024-06-05. Review status: criteria provided, single submitter. Criteria: Quest Diagnostics criteria. Collection method: clinical testing. Allele origin: unknown. Not counted in ClinVar's aggregate classification.
Comment: The BRCA1 c.783T>G (p.Tyr261*) variant causes the premature termination of BRCA1 protein synthesis. This variant has been reported in the published literature in individuals and families affected with breast/ovarian cancer (PMIDs: 29446198 (2018), 16683254 (2006)). This variant has not been reported in large, multi-ethnic general populations (Genome Aggregation Database). Based on the available information, this variant is classified as pathogenic.

Baylor Genetics
Classification: Pathogenic for Breast-ovarian cancer, familial, susceptibility to, 1. Last evaluated: 2022-11-28. Review status: criteria provided, single submitter. Criteria: ACMG Guidelines, 2015. Collection method: clinical testing. Allele origin: unknown. Not counted in ClinVar's aggregate classification.

Institute for Clinical Genetics, University Hospital TU Dresden, University Hospital TU Dresden
Classification: Pathogenic. Last evaluated: 2021-11-03. Review status: criteria provided, single submitter. Criteria: ACMG Guidelines, 2015. Collection method: clinical testing. Allele origin: germline. Not counted in ClinVar's aggregate classification.

Blueprint Genetics
Classification: Pathogenic for BRCA1-related disorders. Last evaluated: 2019-11-06. Review status: criteria provided, single submitter. Criteria: ACMG Guidelines, 2015. Collection method: clinical testing. Allele origin: germline. Affected: yes. Observed: 1 variant allele. Not counted in ClinVar's aggregate classification.

Consortium of Investigators of Modifiers of BRCA1/2 (CIMBA), c/o University of Cambridge
Classification: Pathogenic for Breast-ovarian cancer, familial, susceptibility to, 1. Last evaluated: 2015-10-02. Review status: criteria provided, single submitter. Criteria: CIMBA Mutation Classification guidelines May 2016. Collection method: clinical testing. Allele origin: germline. Not counted in ClinVar's aggregate classification.

Molecular Oncology, Hospital Universitario Central de Asturias (HUCA)
Classification: Pathogenic for Breast-ovarian cancer, familial, susceptibility to, 1. Last evaluated: 2021-05-24. Review status: no assertion criteria provided. Collection method: case-control. Allele origin: germline. Affected: yes. Not counted in ClinVar's aggregate classification.

Research Molecular Genetics Laboratory, Women's College Hospital, University of Toronto
Classification: Pathogenic for Hereditary breast ovarian cancer syndrome. Last evaluated: 2014-01-31. Review status: no assertion criteria provided. Collection method: research. Allele origin: germline. Affected: yes. Study: The Canadian Open Genetics Repository (COGR). Not counted in ClinVar's aggregate classification.

Breast Cancer Information Core (BIC) (BRCA1)
Classification: Pathogenic for Breast-ovarian cancer, familial 1. Last evaluated: 2013-05-21. Review status: no assertion criteria provided. Collection method: clinical testing. Allele origin: germline. Affected: yes. Observed: 2 variant alleles. Not counted in ClinVar's aggregate classification.

Sharing Clinical Reports Project (SCRP)
Classification: Pathogenic for Breast-ovarian cancer, familial 1. Last evaluated: 2011-05-16. Review status: no assertion criteria provided. Collection method: clinical testing. Allele origin: germline. Not counted in ClinVar's aggregate classification.

Literature cited by the submitters: PubMed 20104584 (cited by Labcorp Genetics (formerly Invitae), Labcorp); PubMed 16683254 (cited by 3 submitters); PubMed 29446198 (cited by Ambry Genetics and Quest Diagnostics Nichols Institute San Juan Capistrano); PubMed 25525159 (cited by Quest Diagnostics Nichols Institute San Juan Capistrano); PubMed 25823446 (cited by Quest Diagnostics Nichols Institute San Juan Capistrano); PubMed 38922859 (cited by Molecular Oncology, Hospital Universitario Central de Asturias (HUCA)).

NM_007294.4(BRCA1):c.783T>G (p.Tyr261Ter)

Gene: BRCA1 (BRCA1 DNA repair associated; minus strand). Cytogenetic location: 17q21.31.
Variant type: single nucleotide variant.
Coding change: c.783T>G on transcript NM_007294.4 (MANE Select); coding-DNA position 783, T replaced by G.
Protein change: p.Tyr261Ter; replaces tyrosine 261 with a stop codon.
Molecular consequence: nonsense. On other transcripts: non-coding transcript variant (1).
Genome position (GRCh38, 1-based): chr17:43,094,748, A>C on the plus strand (T>G on the coding strand, the complement: BRCA1 is on the minus strand). VCF-style: chr17-43094748-A-C. GRCh37 (hg19) VCF-style: chr17-41246765-A-C.
Other names: p.Y261*:TAT>TAG; 902T>G; c.702T>G, p.Tyr234Ter (NM_001408416.1, NM_001407659.1, NM_001407660.1 and 3 more transcripts); c.660T>G, p.Tyr220Ter (NM_001408425.1, NM_001408426.1, NM_001408427.1 and 34 more transcripts); c.657T>G, p.Tyr219Ter (NM_001408432.1, NM_001408433.1, NM_001408434.1 and 20 more transcripts); c.648T>G, p.Tyr216Ter (NM_001408451.1); c.642T>G, p.Tyr214Ter (NM_001408452.1, NM_001408453.1, NM_001408454.1 and 43 more transcripts); c.639T>G, p.Tyr213Ter (NM_001408462.1, NM_001408463.1, NM_001408464.1 and 26 more transcripts); and 16 more; short protein forms Y261*, Y214*, Y134*, Y172*, Y173*, Y193*, Y194*, Y213*.
Identifiers: ClinVar variation 37697 (VCV000037697.27), dbSNP rs80357321, ClinGen allele CA003865.
Genomic context (GRCh38, chr17:43,094,748, plus strand): 5'-GCTGGCATGAGTATTTGTGCCACATGGCTCCACATGCAAGTTTGAAACAGAACTACCCTG[A>C]TACTTTTCTGGATGCCTCTCAGCTGCACGCTTCTCAGTGGTGTTCAAATCATTATTACTG-3'